The following is an entry in ClinVar:

ClinVar aggregate classification (germline): Uncertain significance (1 of 4 stars; one submission).

Conditions:
DICER1-related tumor predisposition. Also called: DICER1-related pleuropulmonary blastoma cancer predisposition syndrome; DICER1 syndrome. Identifiers: Orphanet 284343, MedGen C3839822, MONDO:0100216.

Submission:

Labcorp Genetics (formerly Invitae), Labcorp
Classification: Uncertain significance for DICER1-related tumor predisposition. Last evaluated: 2024-08-31. Review status: criteria provided, single submitter. Criteria: Invitae Variant Classification Sherloc (09022015). Collection method: clinical testing. Allele origin: germline.
Comment: This sequence change replaces glutamic acid, which is acidic and polar, with lysine, which is basic and polar, at codon 904 of the DICER1 protein (p.Glu904Lys). This variant is not present in population databases (gnomAD no frequency). This variant has not been reported in the literature in individuals affected with DICER1-related conditions. Invitae Evidence Modeling of protein sequence and biophysical properties (such as structural, functional, and spatial information, amino acid conservation, physicochemical variation, residue mobility, and thermodynamic stability) indicates that this missense variant is not expected to disrupt DICER1 protein function with a negative predictive value of 80%. In summary, the available evidence is currently insufficient to determine the role of this variant in disease. Therefore, it has been classified as a Variant of Uncertain Significance.

NM_177438.3(DICER1):c.2710G>A (p.Glu904Lys)

Gene: DICER1 (dicer 1, ribonuclease III; minus strand). Cytogenetic location: 14q32.13.
Variant type: single nucleotide variant.
Coding change: c.2710G>A on transcript NM_177438.3 (MANE Select); coding-DNA position 2710, G replaced by A.
Protein change: p.Glu904Lys; replaces glutamic acid 904 with lysine.
Molecular consequence: missense variant. On other transcripts: non-coding transcript variant (6).
Genome position (GRCh38, 1-based): chr14:95,107,702, C>T on the plus strand (G>A on the coding strand, the complement: DICER1 is on the minus strand). VCF-style: chr14-95107702-C-T. GRCh37 (hg19) VCF-style: chr14-95574039-C-T.
Other names: c.2710G>A, p.Glu904Lys (NM_001195573.1, NM_001271282.3, NM_001291628.2 and 12 more transcripts); c.2428G>A, p.Glu810Lys (NM_001395686.1); c.2305G>A, p.Glu769Lys (NM_001395687.1, NM_001395688.1, NM_001395689.1 and 2 more transcripts); c.2143G>A, p.Glu715Lys (NM_001395691.1); c.1027G>A, p.Glu343Lys (NM_001395697.1); short protein forms E715K, E769K, E810K, E343K, E904K.
Identifiers: ClinVar variation 3664030 (VCV003664030.2).
Genomic context (GRCh38, chr14:95,107,702, plus strand): 5'-ATTTAAAAACAAAGGGTGTTTCTTTTGTATACTTTGTACTGGGAATGCCTATGCGAGCTT[C>T]AGACTTCTCAATATCTTCCATGAATTTAAAGTCAATATCCAAAGTGCTGGAGTCATTAAC-3'
Protein context (NP_803187.1, residues 894-914): FKFMEDIEKS[Glu904Lys]ARIGIPSTKY